The following is an entry in ClinVar:

NM_000275.3(OCA2):c.515+6C>T

Gene: OCA2 (OCA2 melanosomal transmembrane protein; minus strand). Cytogenetic location: 15q13.1.
Variant type: single nucleotide variant.
Coding change: c.515+6C>T on transcript NM_000275.3 (MANE Select); 6 bases into the intron after coding-DNA position 515, C replaced by T.
Molecular consequence: intron variant.
Genome position (GRCh38, 1-based): chr15:28,027,865, G>A on the plus strand (C>T on the coding strand, the complement: OCA2 is on the minus strand). VCF-style: chr15-28027865-G-A. GRCh37 (hg19) VCF-style: chr15-28273011-G-A.
Other names: c.515+6C>T (NM_001300984.2).
Identifiers: ClinVar variation 1901377 (VCV001901377.2), dbSNP rs769140834, ClinGen allele CA7439478.

ClinVar aggregate classification (germline): Uncertain significance (1 of 4 stars; one submission).

Allele frequency attached by ClinVar (database versions not stated): TOPMed below 0.00001; ExAC 0.00001; gnomAD 0.00001.
gnomAD v4.1: 4 of 1,612,012 alleles (0.00025%); highest among the groups gnomAD compares: Non-Finnish European, 0.00017%; no homozygotes.

Submission:

Labcorp Genetics (formerly Invitae), Labcorp
Classification: Uncertain significance. Last evaluated: 2022-04-18. Review status: criteria provided, single submitter. Criteria: Invitae Variant Classification Sherloc (09022015). Collection method: clinical testing. Allele origin: germline.
Comment: This sequence change falls in intron 4 of the OCA2 gene. It does not directly change the encoded amino acid sequence of the OCA2 protein. It affects a nucleotide within the consensus splice site. The frequency data for this variant in the population databases is considered unreliable, as metrics indicate poor data quality at this position in the gnomAD database. This variant has not been reported in the literature in individuals affected with OCA2-related conditions. Variants that disrupt the consensus splice site are a relatively common cause of aberrant splicing (PMID: 17576681, 9536098). Algorithms developed to predict the effect of sequence changes on RNA splicing suggest that this variant may disrupt the consensus splice site. In summary, the available evidence is currently insufficient to determine the role of this variant in disease. Therefore, it has been classified as a Variant of Uncertain Significance.

Literature cited by the submitters: PubMed 17576681; PubMed 9536098.